The following is an entry in ClinVar:

ClinVar aggregate classification (germline): Uncertain significance. Review status: criteria provided, multiple submitters, no conflicts (2 of 4 stars). 2 submissions from 2 submitters: Uncertain significance (2). Last evaluated 2025-02-19.

Conditions:
Inborn genetic diseases. Identifiers: MedGen C0950123, MeSH D030342.

Allele frequency attached by ClinVar (database versions not stated): TOPMed below 0.00001; ExAC 0.00001; gnomAD 0.00003.
gnomAD v4.1: 13 of 1,614,126 alleles (0.00081%); highest among the groups gnomAD compares: East Asian, 0.0045%; no homozygotes.

Submissions (2):

Ambry Genetics
Classification: Uncertain significance for Inborn genetic diseases. Last evaluated: 2025-02-19. Review status: criteria provided, single submitter. Criteria: Ambry Variant Classification Scheme 2023. Collection method: clinical testing. Allele origin: germline.

Labcorp Genetics (formerly Invitae), Labcorp
Classification: Uncertain significance. Last evaluated: 2024-11-05. Review status: criteria provided, single submitter. Criteria: Invitae Variant Classification Sherloc (09022015). Collection method: clinical testing. Allele origin: germline.
Comment: This sequence change replaces alanine, which is neutral and non-polar, with valine, which is neutral and non-polar, at codon 481 of the EXTL3 protein (p.Ala481Val). This variant is present in population databases (rs764122764, gnomAD 0.01%). This variant has not been reported in the literature in individuals affected with EXTL3-related conditions. ClinVar contains an entry for this variant (Variation ID: 1908285). Invitae Evidence Modeling of protein sequence and biophysical properties (such as structural, functional, and spatial information, amino acid conservation, physicochemical variation, residue mobility, and thermodynamic stability) indicates that this missense variant is not expected to disrupt EXTL3 protein function with a negative predictive value of 80%. In summary, the available evidence is currently insufficient to determine the role of this variant in disease. Therefore, it has been classified as a Variant of Uncertain Significance.

NM_001440.4(EXTL3):c.1442C>T (p.Ala481Val)

Gene: EXTL3 (exostosin like glycosyltransferase 3; plus strand). Cytogenetic location: 8p21.1.
Variant type: single nucleotide variant.
Coding change: c.1442C>T on transcript NM_001440.4 (MANE Select); coding-DNA position 1442, C replaced by T.
Protein change: p.Ala481Val; replaces alanine 481 with valine.
Molecular consequence: missense variant.
Genome position (GRCh38, 1-based): chr8:28,717,501, C>T. VCF-style: chr8-28717501-C-T. GRCh37 (hg19) VCF-style: chr8-28575018-C-T.
Other names: c.1442C>T (NM_001440.2); short protein forms A481V.
Identifiers: ClinVar variation 1908285 (VCV001908285.6), dbSNP rs764122764, ClinGen allele CA4696214.